The following is an entry in ClinVar:

ClinVar aggregate classification (germline): Pathogenic. Review status: criteria provided, multiple submitters, no conflicts (2 of 4 stars). 3 submissions from 3 submitters: Pathogenic (3). Last evaluated 2025-07-08.

Conditions:
Hereditary cancer-predisposing syndrome. Also called: Hereditary neoplastic syndrome; Neoplastic Syndromes, Hereditary; Tumor predisposition; Hereditary Cancer Syndrome. Identifiers: Orphanet 140162, MedGen C0027672, MeSH D009386, MONDO:0015356.
Fanconi anemia complementation group J. Also called: BRIP1-Related Fanconi Anemia. Identifiers: Orphanet 84, MedGen C1836860, MONDO:0012187, OMIM 609054.
Familial cancer of breast. Also called: BREAST CANCER, FAMILIAL; Hereditary breast cancer; hereditary breast carcinoma. Identifiers: Orphanet 227535, MedGen C0346153, MONDO:0016419, OMIM 114480. Disease mechanism: loss of function.

Submissions (3):

Labcorp Genetics (formerly Invitae), Labcorp
Classification: Pathogenic for Familial cancer of breast; Fanconi anemia complementation group J. Last evaluated: 2025-07-08. Review status: criteria provided, single submitter. Criteria: Invitae Variant Classification Sherloc (09022015). Collection method: clinical testing. Allele origin: germline.
Comment: This sequence change creates a premature translational stop signal (p.Cys761Valfs*5) in the BRIP1 gene. It is expected to result in an absent or disrupted protein product. Loss-of-function variants in BRIP1 are known to be pathogenic (PMID: 16116423, 17033622, 21964575). This variant is not present in population databases (gnomAD no frequency). This variant has not been reported in the literature in individuals affected with BRIP1-related conditions. ClinVar contains an entry for this variant (Variation ID: 485465). For these reasons, this variant has been classified as Pathogenic.

Myriad Genetics, Inc.
Classification: Pathogenic for Familial cancer of breast. Last evaluated: 2023-06-06. Review status: criteria provided, single submitter. Criteria: Myriad Autosomal Dominant, Autosomal Recessive and X-Linked Classification Criteria (2023). Collection method: clinical testing. Allele origin: unknown.
Comment: This variant is considered pathogenic. This variant creates a frameshift predicted to result in premature protein truncation.

Ambry Genetics
Classification: Pathogenic for Hereditary cancer-predisposing syndrome. Last evaluated: 2017-06-21. Review status: criteria provided, single submitter. Criteria: Ambry Variant Classification Scheme 2023. Collection method: clinical testing. Allele origin: germline.
Comment: The c.2281delT pathogenic mutation, located in coding exon 15 of the BRIP1 gene, results from a deletion of one nucleotide at nucleotide position 2281, causing a translational frameshift with a predicted alternate stop codon (p.C761Vfs*5). This alteration is expected to result in loss of function by premature protein truncation or nonsense-mediated mRNA decay. As such, this alteration is interpreted as a disease-causing mutation.

Literature cited by the submitters: PubMed 16116423 (cited by Labcorp Genetics (formerly Invitae), Labcorp); PubMed 17033622 (cited by Labcorp Genetics (formerly Invitae), Labcorp); PubMed 21964575 (cited by Labcorp Genetics (formerly Invitae), Labcorp).

NM_032043.3(BRIP1):c.2281del (p.Cys761fs)

Gene: BRIP1 (BRCA1 interacting DNA helicase 1; minus strand). Cytogenetic location: 17q23.2.
Variant type: Deletion.
Coding change: c.2281del on transcript NM_032043.3 (MANE Select); coding-DNA position 2281, one base deleted (T; older notation c.2281delT).
Protein change: p.Cys761fs; shifts the reading frame from cysteine 761.
Molecular consequence: frameshift variant.
Genome position (GRCh38, 1-based): chr17:61,743,111, A deleted on the plus strand (T on the coding strand, the reverse complement: BRIP1 is on the minus strand); the first of 3 consecutive A bases (chr17:61,743,111-61,743,113); deleting any one gives the same sequence. VCF-style (leftmost placement, unchanged base first): chr17-61743110-CA-C. GRCh37 (hg19) VCF-style: chr17-59820471-CA-C.
Other names: c.2281delT (NM_032043.2); short protein forms C761fs.
Identifiers: ClinVar variation 485465 (VCV000485465.8), dbSNP rs1555590521, ClinGen allele CA658658662.